The following is an entry in ClinVar:

ClinVar aggregate classification (germline): Benign. Review status: criteria provided, multiple submitters, no conflicts (2 of 4 stars). 5 submissions from 5 submitters: Benign (4). 1 of the submissions does not count toward it. Last evaluated 2025-06-30.

Conditions:
COL4A6-related disorder. Also called: COL4A6-related condition.
Hearing loss, X-linked 6. Also called: Deafness, X-linked 6. Identifiers: Orphanet 90625, MedGen C3806737, MONDO:0010484, OMIM 300914.

Allele frequency attached by ClinVar (database versions not stated): gnomAD exomes 0.00010 and 0.00031; ExAC 0.00040; 1000 Genomes Project 0.00079; 1000 Genomes Project 30x 0.00083; gnomAD 0.00137 and 0.00149; TOPMed 0.00137; ESP Exome Variant Server 0.00170.
gnomAD v4.1: 264 of 1,209,724 alleles (0.022%); highest among the groups gnomAD compares: African/African-American, 0.42%; 1 homozygote.

Submissions (5):

Labcorp Genetics (formerly Invitae), Labcorp
Classification: Benign. Last evaluated: 2025-06-30. Review status: criteria provided, single submitter. Criteria: Invitae Variant Classification Sherloc (09022015). Collection method: clinical testing. Allele origin: germline.

Genome-Nilou Lab
Classification: Benign for Hearing loss, X-linked 6. Last evaluated: 2022-03-15. Review status: criteria provided, single submitter. Criteria: ACMG Guidelines, 2015. Collection method: clinical testing. Allele origin: germline. Affected: no.

GeneDx
Classification: Benign. Last evaluated: 2021-03-03. Review status: criteria provided, single submitter. Criteria: GeneDx Variant Classification Process June 2021. Collection method: clinical testing. Allele origin: germline. Affected: yes.

Breakthrough Genomics
Classification: Benign. Review status: criteria provided, single submitter. Criteria: ACMG Guidelines, 2015. Collection method: not provided. Allele origin: germline. Inheritance: X-linked inheritance. Affected: yes.

PreventionGenetics, part of Exact Sciences
Classification: Likely benign for COL4A6-related condition. Last evaluated: 2020-11-24. Review status: no assertion criteria provided. Collection method: clinical testing. Allele origin: germline. Not counted in ClinVar's aggregate classification.
Comment: This variant is classified as likely benign based on ACMG/AMP sequence variant interpretation guidelines (Richards et al. 2015 PMID: 25741868, with internal and published modifications).

NM_033641.4(COL4A6):c.2409G>A (p.Gly803=)

Gene: COL4A6 (collagen type IV alpha 6 chain; minus strand). Cytogenetic location: Xq22.3.
Variant type: single nucleotide variant.
Coding change: c.2409G>A on transcript NM_033641.4 (MANE Select); coding-DNA position 2409, G replaced by A.
Protein change: p.Gly803=; no amino-acid change (glycine 803 retained).
Molecular consequence: synonymous variant.
Genome position (GRCh38, 1-based): chrX:108,178,790, C>T on the plus strand (G>A on the coding strand, the complement: COL4A6 is on the minus strand). VCF-style: chrX-108178790-C-T. GRCh37 (hg19) VCF-style: chrX-107422020-C-T.
Other names: c.2460G>A, p.Gly820= (NM_001287758.2); c.2409G>A, p.Gly803= (NM_001287759.2, NM_001287760.2); c.2412G>A, p.Gly804= (NM_001847.4); c.2412G>A (NM_001847.3).
Identifiers: ClinVar variation 1237218 (VCV001237218.15), dbSNP rs139372880, ClinGen allele CA10487623.
Genomic context (GRCh38, chrX:108,178,790, plus strand): 5'-CTTGATGCCATATGGACCACTAGATCCTGGGGTGCCTGGCTGTCCCACCTGTCCTGGTGT[C>T]CCAGGGCTGCCCCGCTCACCTTTGGGGCCTAGTAAGCCAGGCTTCCCGTGCACACCTGAT-3'
Protein context (NP_378667.1, residues 793-813): LGPKGERGSP[Gly803=]TPGQVGQPGT